The following is an entry in ClinVar:

NM_018026.4(PACS1):c.946A>G (p.Arg316Gly)

Gene: PACS1 (phosphofurin acidic cluster sorting protein 1; plus strand). Cytogenetic location: 11q13.2.
Variant type: single nucleotide variant.
Coding change: c.946A>G on transcript NM_018026.4 (MANE Select); coding-DNA position 946, A replaced by G.
Protein change: p.Arg316Gly; replaces arginine 316 with glycine.
Molecular consequence: missense variant.
Genome position (GRCh38, 1-based): chr11:66,216,743, A>G. VCF-style: chr11-66216743-A-G. GRCh37 (hg19) VCF-style: chr11-65984214-A-G.
Other names: short protein forms R316G.
Identifiers: ClinVar variation 4746459 (VCV004746459.1).

ClinVar aggregate classification (germline): Uncertain significance (1 of 4 stars; one submission).

Conditions:
Schuurs-Hoeijmakers syndrome. Also called: PACS1-Related Neurodevelopmental Disorder. Identifiers: Orphanet 329224, MedGen C3554343, MONDO:0014006, OMIM 615009.

Submission:

Labcorp Genetics (formerly Invitae), Labcorp
Classification: Uncertain significance for Schuurs-Hoeijmakers syndrome. Last evaluated: 2026-02-03. Review status: criteria provided, single submitter. Criteria: Invitae Variant Classification Sherloc (09022015). Collection method: clinical testing. Allele origin: germline.
Comment: This sequence change replaces arginine, which is basic and polar, with glycine, which is neutral and non-polar, at codon 316 of the PACS1 protein (p.Arg316Gly). This variant is not present in population databases (gnomAD no frequency). This variant has not been reported in the literature in individuals affected with PACS1-related conditions. Invitae Evidence Modeling of protein sequence and biophysical properties (such as structural, functional, and spatial information, amino acid conservation, physicochemical variation, residue mobility, and thermodynamic stability) indicates that this missense variant is not expected to disrupt PACS1 protein function with a negative predictive value of 80%. In summary, the available evidence is currently insufficient to determine the role of this variant in disease. Therefore, it has been classified as a Variant of Uncertain Significance.